The following is an entry in ClinVar:

NM_012188.5(FOXI1):c.926G>A (p.Ser309Asn)

Gene: FOXI1 (forkhead box I1; plus strand). Cytogenetic location: 5q35.1.
Variant type: single nucleotide variant.
Coding change: c.926G>A on transcript NM_012188.5 (MANE Select); coding-DNA position 926, G replaced by A.
Protein change: p.Ser309Asn; replaces serine 309 with asparagine.
Molecular consequence: missense variant.
Genome position (GRCh38, 1-based): chr5:170,108,400, G>A. VCF-style: chr5-170108400-G-A. GRCh37 (hg19) VCF-style: chr5-169535404-G-A.
Other names: c.641G>A, p.Ser214Asn (NM_144769.4); short protein forms S309N, S214N.
Identifiers: ClinVar variation 2063896 (VCV002063896.5), dbSNP rs1026750367, ClinGen allele CA132050465.

ClinVar aggregate classification (germline): Uncertain significance. Review status: criteria provided, multiple submitters, no conflicts (2 of 4 stars). 2 submissions from 2 submitters: Uncertain significance (2). Last evaluated 2024-05-01.

Conditions:
Autosomal recessive nonsyndromic hearing loss 4 (DFNB4). Also called: NEUROSENSORY NONSYNDROMIC RECESSIVE DEAFNESS 4; Deafness, autosomal recessive 4, with enlarged vestibular aqueduct; Enlarged vestibular aqueduct, digenic; FOXI1-Related Pendred Syndrome; KCNJ10-Related Pendred Syndrome; DEAFNESS, AUTOSOMAL RECESSIVE 4, WITH ENLARGED VESTIBULAR AQUEDUCT, DIGENIC. Identifiers: Orphanet 90636, MedGen C3538946, MONDO:0010933, OMIM 600791.

Allele frequency attached by ClinVar (database versions not stated): gnomAD 0.00002; gnomAD exomes below 0.00001; TOPMed 0.00002.
gnomAD v4.1: 6 of 1,613,710 alleles (0.00037%); highest among the groups gnomAD compares: Admixed American, 0.0083%; no homozygotes.

Submissions (2):

Fulgent Genetics
Classification: Uncertain significance for Autosomal recessive nonsyndromic hearing loss 4. Last evaluated: 2024-05-01. Review status: criteria provided, single submitter. Criteria: ACMG Guidelines, 2015. Collection method: clinical testing. Allele origin: germline.

Labcorp Genetics (formerly Invitae), Labcorp
Classification: Uncertain significance. Last evaluated: 2022-03-31. Review status: criteria provided, single submitter. Criteria: Invitae Variant Classification Sherloc (09022015). Collection method: clinical testing. Allele origin: germline.
Comment: This sequence change replaces serine, which is neutral and polar, with asparagine, which is neutral and polar, at codon 309 of the FOXI1 protein (p.Ser309Asn). This variant is present in population databases (no rsID available, gnomAD 0.006%). This variant has not been reported in the literature in individuals affected with FOXI1-related conditions. Algorithms developed to predict the effect of missense changes on protein structure and function (SIFT, PolyPhen-2, Align-GVGD) all suggest that this variant is likely to be tolerated. In summary, the available evidence is currently insufficient to determine the role of this variant in disease. Therefore, it has been classified as a Variant of Uncertain Significance.